The following is an entry in ClinVar:

ClinVar aggregate classification (germline): Uncertain significance (1 of 4 stars; one submission).

Conditions:
Combined oxidative phosphorylation defect type 17. Also called: Combined oxidative phosphorylation deficiency 17. Identifiers: Orphanet 369913, MedGen C3809526, MONDO:0014190, OMIM 615440.

Submission:

Labcorp Genetics (formerly Invitae), Labcorp
Classification: Uncertain significance for Combined oxidative phosphorylation defect type 17. Last evaluated: 2022-03-05. Review status: criteria provided, single submitter. Criteria: Invitae Variant Classification Sherloc (09022015). Collection method: clinical testing. Allele origin: germline.
Comment: This sequence change replaces glutamic acid, which is acidic and polar, with leucine, which is neutral and non-polar, at codon 798 of the ELAC2 protein (p.Glu798Leu). This variant is present in population databases (no rsID available, gnomAD 0.3%). This variant has not been reported in the literature in individuals affected with ELAC2-related conditions. Algorithms developed to predict the effect of missense changes on protein structure and function are either unavailable or do not agree on the potential impact of this missense change (SIFT: "Not Available"; PolyPhen-2: "Benign"; Align-GVGD: "Not Available"). In summary, the available evidence is currently insufficient to determine the role of this variant in disease. Therefore, it has been classified as a Variant of Uncertain Significance.

NM_018127.7(ELAC2):c.2392_2393delinsTT (p.Glu798Leu)

Gene: ELAC2 (elaC ribonuclease Z 2; minus strand). Cytogenetic location: 17p12.
Variant type: Indel.
Coding change: c.2392_2393delinsTT on transcript NM_018127.7 (MANE Select); coding-DNA positions 2392 to 2393, GA replaced by TT.
Protein change: p.Glu798Leu; replaces glutamic acid 798 with leucine.
Molecular consequence: missense variant.
Genome position (GRCh38, 1-based): chr17:12,992,906-12,992,907, TC replaced by AA on the plus strand (GA replaced by TT on the coding strand, the reverse complement: ELAC2 is on the minus strand). VCF-style: chr17-12992906-TC-AA. GRCh37 (hg19) VCF-style: chr17-12896223-TC-AA.
Other names: c.2272_2273delinsTT, p.Glu758Leu (NM_001165962.2); c.2389_2390delinsTT, p.Glu797Leu (NM_173717.2); short protein forms E758L, E797L, E798L.
Identifiers: ClinVar variation 1374467 (VCV001374467.5), dbSNP rs2143539834, ClinGen allele CA2573153040.
Genomic context (GRCh38, chr17:12,992,906, plus strand): 5'-GGCTCCTCTGTGTGGGCCCGCTTCTGCTGAGGCTCCCCATCCTCCAGGCCGCCTGCCAGC[TC>AA]CCTGGACAGGAGGGCCGCCCGCACCTGCCGCAGCTCCCGCTTCTCCCTGCGCTCCTCCAT-3'
Protein context (NP_060597.4, residues 788-808): RQVRAALLSR[Glu798Leu]LAGGLEDGEP